The following is an entry in ClinVar:

NM_015488.5(PNKD):c.391T>C (p.Tyr131His)

Genes: CATIP-AS2 (CATIP antisense RNA 2; minus strand), PNKD (PNKD metallo-beta-lactamase domain containing; plus strand). Cytogenetic location: 2q35.
Variant type: single nucleotide variant.
Coding change: c.391T>C on transcript NM_015488.5 (MANE Select); coding-DNA position 391, T replaced by C.
Protein change: p.Tyr131His; replaces tyrosine 131 with histidine.
Molecular consequence: missense variant.
Genome position (GRCh38, 1-based): chr2:218,340,067, T>C. VCF-style: chr2-218340067-T-C. GRCh37 (hg19) VCF-style: chr2-219204790-T-C.
Other names: c.319T>C, p.Tyr107His (NM_022572.5); short protein forms Y107H, Y131H.
Identifiers: ClinVar variation 1026933 (VCV001026933.8), dbSNP rs1353463061, ClinGen allele CA350538509.

ClinVar aggregate classification (germline): Uncertain significance (1 of 4 stars; one submission).

Conditions:
Paroxysmal nonkinesigenic dyskinesia. Also called: Paroxysmal non-kinesigenic dyskinesia. Identifiers: Orphanet 98810, MedGen C1869117, MONDO:0700088.

Allele frequency attached by ClinVar (database versions not stated): gnomAD exomes below 0.00001; gnomAD 0.00001; TOPMed 0.00002.
gnomAD v4.1: 2 of 1,613,694 alleles (0.00012%); highest among the groups gnomAD compares: African/African-American, 0.0027%; no homozygotes.

Submission:

Labcorp Genetics (formerly Invitae), Labcorp
Classification: Uncertain significance for Paroxysmal nonkinesigenic dyskinesia. Last evaluated: 2023-10-10. Review status: criteria provided, single submitter. Criteria: Invitae Variant Classification Sherloc (09022015). Collection method: clinical testing. Allele origin: germline.
Comment: This sequence change replaces tyrosine, which is neutral and polar, with histidine, which is basic and polar, at codon 131 of the PNKD protein (p.Tyr131His). This variant is not present in population databases (gnomAD no frequency). This variant has not been reported in the literature in individuals affected with PNKD-related conditions. ClinVar contains an entry for this variant (Variation ID: 1026933). Advanced modeling of protein sequence and biophysical properties (such as structural, functional, and spatial information, amino acid conservation, physicochemical variation, residue mobility, and thermodynamic stability) performed at Invitae indicates that this missense variant is expected to disrupt PNKD protein function. In summary, the available evidence is currently insufficient to determine the role of this variant in disease. Therefore, it has been classified as a Variant of Uncertain Significance.